The following is an entry in ClinVar:

ClinVar aggregate classification (germline): Conflicting classifications of pathogenicity. Review status: criteria provided, conflicting classifications (1 of 4 stars). 4 submissions from 4 submitters: Uncertain significance (2); Likely benign (1). 1 of the submissions does not count toward it. Last evaluated 2026-01-05.

Conditions:
Inborn genetic diseases. Identifiers: MedGen C0950123, MeSH D030342.
Desmosterolosis. Identifiers: Orphanet 35107, MedGen C1865596, MONDO:0011217, OMIM 602398.

Allele frequency attached by ClinVar (database versions not stated): ExAC 0.00049; gnomAD exomes 0.00056 and 0.00105; TOPMed 0.00084; ESP Exome Variant Server 0.00085; gnomAD 0.00086 and 0.00092.

Submissions (4):

Labcorp Genetics (formerly Invitae), Labcorp
Classification: Uncertain significance. Last evaluated: 2026-01-05. Review status: criteria provided, single submitter. Criteria: Invitae Variant Classification Sherloc (09022015). Collection method: clinical testing. Allele origin: germline.
Comment: This sequence change replaces glutamic acid, which is acidic and polar, with lysine, which is basic and polar, at codon 206 of the DHCR24 protein (p.Glu206Lys). This variant is present in population databases (rs150688144, gnomAD 0.1%), and has an allele count higher than expected for a pathogenic variant. This variant has not been reported in the literature in individuals affected with DHCR24-related conditions. ClinVar contains an entry for this variant (Variation ID: 874282). Invitae Evidence Modeling of protein sequence and biophysical properties (such as structural, functional, and spatial information, amino acid conservation, physicochemical variation, residue mobility, and thermodynamic stability) indicates that this missense variant is not expected to disrupt DHCR24 protein function with a negative predictive value of 80%. In summary, the available evidence is currently insufficient to determine the role of this variant in disease. Therefore, it has been classified as a Variant of Uncertain Significance.

Ambry Genetics
Classification: Likely benign for Inborn genetic diseases. Last evaluated: 2022-08-22. Review status: criteria provided, single submitter. Criteria: Ambry Variant Classification Scheme 2023. Collection method: clinical testing. Allele origin: germline.

Illumina Laboratory Services, Illumina
Classification: Uncertain significance for Desmosterolosis. Last evaluated: 2017-04-27. Review status: criteria provided, single submitter. Criteria: ICSL Variant Classification Criteria 13 December 2019. Collection method: clinical testing. Allele origin: germline.

Department of Pathology and Laboratory Medicine, Sinai Health System
Classification: Uncertain significance. Review status: no assertion criteria provided. Collection method: clinical testing. Allele origin: unknown. Affected: yes. Study: The Canadian Open Genetics Repository (COGR). Not counted in ClinVar's aggregate classification.
Comment: The DHCR24 p.Glu206Lys variant was not identified in the literature nor was it identified in ClinVar. The variant was identified in dbSNP (ID: rs150688144) and LOVD 3.0 (classified as a VUS). The variant was identified in control databases in 171 of 281752 chromosomes at a frequency of 0.0006069 increasing the likelihood this could be a low frequency benign variant (Genome Aggregation Database March 6, 2019, v2.1.1). The variant was observed in the following populations: European (non-Finnish) in 128 of 128102 chromosomes (freq: 0.000999), African in 22 of 24956 chromosomes (freq: 0.000882), Other in 3 of 7218 chromosomes (freq: 0.000416), Latino in 14 of 35428 chromosomes (freq: 0.000395), East Asian in 3 of 19952 chromosomes (freq: 0.00015) and European (Finnish) in 1 of 25116 chromosomes (freq: 0.00004), but was not observed in the Ashkenazi Jewish or South Asian populations. The p.Glu206 residue is conserved in mammals and computational analyses (PolyPhen-2, SIFT, AlignGVGD, BLOSUM, MutationTaster) provide inconsistent predictions regarding the impact to the protein; this information is not very predictive of pathogenicity. The variant occurs outside of the splicing consensus sequence and three of four in silico or computational prediction software programs (SpliceSiteFinder, MaxEntScan, NNSPLICE, GeneSplicer) do not predict a greater than 10% difference in splicing; this is not very predictive of pathogenicity. In summary, based on the above information the clinical significance of this variant cannot be determined with certainty at this time. This variant is classified as a variant of uncertain significance.

Literature cited by the submitters: PubMed 28518168 (cited by Ambry Genetics); PubMed 32461654 (cited by Ambry Genetics).

NM_014762.4(DHCR24):c.616G>A (p.Glu206Lys)

Gene: DHCR24 (24-dehydrocholesterol reductase; minus strand). Cytogenetic location: 1p32.3.
Variant type: single nucleotide variant.
Coding change: c.616G>A on transcript NM_014762.4 (MANE Select); coding-DNA position 616, G replaced by A.
Protein change: p.Glu206Lys; replaces glutamic acid 206 with lysine.
Molecular consequence: missense variant.
Genome position (GRCh38, 1-based): chr1:54,871,610, C>T on the plus strand (G>A on the coding strand, the complement: DHCR24 is on the minus strand). VCF-style: chr1-54871610-C-T. GRCh37 (hg19) VCF-style: chr1-55337283-C-T.
Other names: short protein forms E206K.
Identifiers: ClinVar variation 874282 (VCV000874282.9), dbSNP rs150688144, ClinGen allele CA870762.
Genomic context (GRCh38, chr1:54,871,610, plus strand): 5'-CCACCAGGAAACCCAGCGTCCCACAGGACCAGGGTACGGCATAGAACAGGTCTGAGTTTT[C>T]GGACTGTGAGACAGAATTGATGTGTTGTGAGCTGAAACCTTGGGCCCCACATTGTGGCAT-3'
Protein context (NP_055577.1, residues 196-216): DGSFVRCTPS[Glu206Lys]NSDLFYAVPW